The following is an entry in ClinVar:

ClinVar aggregate classification (germline): Uncertain significance. Review status: criteria provided, multiple submitters, no conflicts (2 of 4 stars). 2 submissions from 2 submitters: Uncertain significance (2). Last evaluated 2025-11-03.

Conditions:
Dilated cardiomyopathy 1G (CMD1G). Identifiers: Orphanet 154, MedGen C1858763, MONDO:0011400, OMIM 604145.
Autosomal recessive limb-girdle muscular dystrophy type 2J (LGMDR10). Also called: Limb-girdle muscular dystrophy, type 2J; MUSCULAR DYSTROPHY, LIMB-GIRDLE, AUTOSOMAL RECESSIVE 10. Identifiers: Orphanet 140922, MedGen C1837342, MONDO:0012127, OMIM 608807.

Allele frequency attached by ClinVar (database versions not stated): TOPMed below 0.00001; gnomAD 0.00001.
gnomAD v4.1: 6 of 1,613,812 alleles (0.00037%); highest among the groups gnomAD compares: East Asian, 0.0022%; no homozygotes.

Submissions (2):

Labcorp Genetics (formerly Invitae), Labcorp
Classification: Uncertain significance for Dilated cardiomyopathy 1G; Autosomal recessive limb-girdle muscular dystrophy type 2J. Last evaluated: 2025-11-03. Review status: criteria provided, single submitter. Criteria: Invitae Variant Classification Sherloc (09022015). Collection method: clinical testing. Allele origin: germline.
Comment: This sequence change replaces arginine, which is basic and polar, with cysteine, which is neutral and slightly polar, at codon 34775 of the TTN protein (p.Arg34775Cys). This variant is not present in population databases (gnomAD no frequency). This variant has not been reported in the literature in individuals affected with TTN-related conditions. ClinVar contains an entry for this variant (Variation ID: 2926584). Experimental studies and prediction algorithms are not available or were not evaluated, and the functional significance of this variant is currently unknown. This variant is located in the M band of TTN (PMID: 25589632). Non-truncating variants in this region may be relevant for neuromuscular disorders, but have not been definitively shown to cause cardiomyopathy (PMID: 23975875). In summary, the available evidence is currently insufficient to determine the role of this variant in disease. Therefore, it has been classified as a Variant of Uncertain Significance.

GeneDx
Classification: Uncertain significance. Last evaluated: 2024-07-08. Review status: criteria provided, single submitter. Criteria: GeneDx Variant Classification Process June 2021. Collection method: clinical testing. Allele origin: germline. Affected: yes.
Comment: Not observed at significant frequency in large population cohorts (gnomAD); Missense variant in a gene in which most reported pathogenic variants are truncating/loss of function; Has not been previously published as pathogenic or benign to our knowledge

Literature cited by the submitters: PubMed 25589632 (cited by Labcorp Genetics (formerly Invitae), Labcorp); PubMed 23975875 (cited by Labcorp Genetics (formerly Invitae), Labcorp).

NM_001267550.2(TTN):c.104323C>T (p.Arg34775Cys)

Genes: TTN (titin; minus strand), TTN-AS1 (TTN antisense RNA 1; plus strand). Cytogenetic location: 2q31.2.
Variant type: single nucleotide variant.
Coding change: c.104323C>T on transcript NM_001267550.2 (MANE Select); coding-DNA position 104323, C replaced by T.
Protein change: p.Arg34775Cys; replaces arginine 34775 with cysteine.
Molecular consequence: missense variant.
Genome position (GRCh38, 1-based): chr2:178,532,292, G>A on the plus strand (C>T on the coding strand, the complement: TTN is on the minus strand). VCF-style: chr2-178532292-G-A. GRCh37 (hg19) VCF-style: chr2-179397019-G-A.
Other names: c.99400C>T, p.Arg33134Cys (NM_001256850.1); c.77128C>T, p.Arg25710Cys (NM_003319.4); c.96619C>T, p.Arg32207Cys (NM_133378.4); c.77503C>T, p.Arg25835Cys (NM_133432.3); c.77704C>T, p.Arg25902Cys (NM_133437.4); short protein forms R25710C, R25835C, R33134C, R25902C, R34775C, R32207C.
Identifiers: ClinVar variation 2926584 (VCV002926584.4), dbSNP rs1689481133, ClinGen allele CA349411985.